The following is an entry in ClinVar:

NM_058174.3(COL6A2):c.2650G>A (p.Ala884Thr)

Gene: COL6A2 (collagen type VI alpha 2 chain; plus strand). Cytogenetic location: 21q22.3.
Variant type: single nucleotide variant.
Coding change: c.2650G>A on transcript NM_058174.3 (MANE Plus Clinical); coding-DNA position 2650, G replaced by A.
Protein change: p.Ala884Thr; replaces alanine 884 with threonine.
Molecular consequence: missense variant. On other transcripts: 3 prime UTR variant (1), intron variant (1).
Genome position (GRCh38, 1-based): chr21:46,129,384, G>A. VCF-style: chr21-46129384-G-A. GRCh37 (hg19) VCF-style: chr21-47549298-G-A.
Other names: c.*456G>A (NM_058175.3); c.2462-2570G>A (NM_001849.4); short protein forms A884T.
Identifiers: ClinVar variation 3770707 (VCV003770707.14).

ClinVar aggregate classification (germline): Conflicting classifications of pathogenicity. Review status: criteria provided, conflicting classifications (1 of 4 stars). 2 submissions from 2 submitters: Uncertain significance (1); Likely benign (1). Last evaluated 2024-12-01.

Conditions:
Collagen 6-related myopathy. Identifiers: MedGen CN117976, MONDO:0100225.

Submissions (2):

CeGaT Center for Human Genetics Tuebingen
Classification: Likely benign. Last evaluated: 2024-12-01. Review status: criteria provided, single submitter. Criteria: CeGaT Center For Human Genetics Tuebingen Variant Classification Criteria Version 2. Collection method: clinical testing. Allele origin: germline. Affected: yes. Observed: 1 variant allele.
Comment: COL6A2: BP4

Department of Pathology and Laboratory Medicine, Sinai Health System
Classification: Uncertain significance for collagen 6-related myopathy. Last evaluated: 2020-05-15. Review status: criteria provided, single submitter. Criteria: ACMG Guidelines, 2015. Collection method: research. Allele origin: germline.